The following is an entry in ClinVar:

NM_018136.5(ASPM):c.2746G>A (p.Asp916Asn)

Gene: ASPM (assembly factor for spindle microtubules; minus strand). Cytogenetic location: 1q31.3.
Variant type: single nucleotide variant.
Coding change: c.2746G>A on transcript NM_018136.5 (MANE Select); coding-DNA position 2746, G replaced by A.
Protein change: p.Asp916Asn; replaces aspartic acid 916 with asparagine.
Molecular consequence: missense variant.
Genome position (GRCh38, 1-based): chr1:197,129,201, C>T on the plus strand (G>A on the coding strand, the complement: ASPM is on the minus strand). VCF-style: chr1-197129201-C-T. GRCh37 (hg19) VCF-style: chr1-197098331-C-T.
Other names: c.2746G>A, p.Asp916Asn (NM_001206846.2); short protein forms D916N.
Identifiers: ClinVar variation 387498 (VCV000387498.2), dbSNP rs747141877, ClinGen allele CA1310374.

ClinVar aggregate classification (germline): Uncertain significance (1 of 4 stars; one submission).

Allele frequency attached by ClinVar (database versions not stated): TOPMed 0.00001; ExAC 0.00002.
gnomAD v4.1: 44 of 1,612,254 alleles (0.0027%); highest among the groups gnomAD compares: Non-Finnish European, 0.0037%; no homozygotes.

Submission:

GeneDx
Classification: Uncertain significance. Last evaluated: 2016-07-08. Review status: criteria provided, single submitter. Criteria: GeneDx Variant Classification (06012015). Collection method: clinical testing. Allele origin: germline. Affected: yes.
Comment: A variant of uncertain significance has been identified in the ASPM gene. The D916N variant has notbeen published as a pathogenic variant, nor has it been reported as a benign variant to our knowledge.It was not observed in approximately 6,500 individuals of European and African American ancestry inthe NHLBI Exome Sequencing Project, indicating it is not a common benign variant in thesepopulations. The D916N variant is a semi-conservative amino acid substitution, which may impactsecondary protein structure as these residues differ in some properties. This substitution occurs at aposition that is conserved across species; however, Asparagine is observed at this position inevolution. In silico analysis is inconsistent in its predictions as to whether or not the variant isdamaging to the protein structure/function. Therefore, based on the currently available information, itis unclear whether this variant is a pathogenic variant or a rare benign variant.